The following is an entry in ClinVar:

NM_000180.4(GUCY2D):c.1315G>A (p.Gly439Arg)

Gene: GUCY2D (guanylate cyclase 2D, retinal; plus strand). Cytogenetic location: 17p13.1.
Variant type: single nucleotide variant.
Coding change: c.1315G>A on transcript NM_000180.4 (MANE Select); coding-DNA position 1315, G replaced by A.
Protein change: p.Gly439Arg; replaces glycine 439 with arginine.
Molecular consequence: missense variant.
Genome position (GRCh38, 1-based): chr17:8,006,651, G>A. VCF-style: chr17-8006651-G-A. GRCh37 (hg19) VCF-style: chr17-7909969-G-A.
Other names: NM_000180.4(GUCY2D):c.1315G>A; p.Gly439Arg; short protein forms G439R.
Identifiers: ClinVar variation 374028 (VCV000374028.20), dbSNP rs140638938, ClinGen allele CA8365708.

ClinVar aggregate classification (germline): Likely benign. Review status: reviewed by expert panel (3 of 4 stars). 7 submissions from 6 submitters: Likely benign (1). 6 of the submissions do not count toward it. Last evaluated 2025-01-30.

Conditions:
GUCY2D-related disorder. Also called: GUCY2D-related condition.
Leber congenital amaurosis 1 (LCA1). Also called: AMAUROSIS CONGENITA OF LEBER I; RETINAL BLINDNESS, CONGENITAL; Congenital absence of the rods and cones; Leber's congenital tapetoretinal degeneration; Leber's congenital tapetoretinal dysplasia. Identifiers: Orphanet 65, MedGen C2931258, MONDO:0008764, OMIM 204000.
Cone-rod dystrophy 6 (CORD6). Also called: RETINAL CONE DYSTROPHY 2; Cone dystrophy progressive. Identifiers: Orphanet 1872, MedGen C1866293, MONDO:0011143, OMIM 601777.
Nystagmus. Identifiers: MedGen C0028738, MONDO:0004843, HP:0000639.
Abnormal electroretinogram. Identifiers: MedGen C0476397, HP:0000512.
GUCY2D-related recessive retinopathy. Also called: Recessive GUCY2D retinopathy. Identifiers: MedGen CN305603, MONDO:0100453.
Choroidal dystrophy, central areolar, 1. Identifiers: Orphanet 75377, MedGen C4551884, MONDO:0024539, OMIM 215500.

Allele frequency attached by ClinVar (database versions not stated): gnomAD 0.00006; 1000 Genomes Project 30x 0.00016; 1000 Genomes Project 0.00020; TOPMed 0.00020; ESP Exome Variant Server 0.00023.
gnomAD v4.1: 287 of 1,612,710 alleles (0.018%); highest among the groups gnomAD compares: South Asian, 0.21%; 4 homozygotes.

Submissions (7):

ClinGen Leber Congenital Amaurosis/early Onset Retinal Dystrophy Variant Curation Expert Panel, ClinGen
Classification: Likely benign for GUCY2D-related recessive retinopathy. Last evaluated: 2025-01-30. Review status: reviewed by expert panel. Criteria: ClinGen LCAeoRD ACMG Specifications GUCY2D V1.0.0. Collection method: curation. Allele origin: germline. Inheritance: Autosomal recessive inheritance.
Comment: The NM_000180.4(GUCY2D):c.1315G>A (p.Gly439Arg) variant is predicted to replace the glycine at position p.439 with arginine. This variant is present in gnomAD v.4.1.0 at a GrpMax allele frequency of 0.001850 with 190 alleles / 90756 total alleles in the South Asian population, which is higher than the ClinGen LCA / eoRD VCEP BS1 threshold of >0.0016 (BS1). This variant has been found in the homozygous state in 4 adult individuals in gnomAD which exceeds the LCA/eoRD VCEP threshold of ≥ 3 (gnomAD version 4.1.0; BS2_supporting). In summary, this variant meets the criteria to be classified as Likely Benign for GUCY2D-related recessive retinopathy based on the ACMG/AMP criteria applied, as specified by the ClinGen LCA/eoRD VCEP: BS1, BS2_supporting. (VCEP specifications version 1.0.0; date of approval 01/22/2025)

PreventionGenetics, part of Exact Sciences
Classification: Likely benign for GUCY2D-related condition. Last evaluated: 2026-07-01. Review status: criteria provided, single submitter. Criteria: ACMG Guidelines, 2015. Collection method: clinical testing. Allele origin: germline. Not counted in ClinVar's aggregate classification.
Comment: This variant is classified as likely benign based on ACMG/AMP sequence variant interpretation guidelines (Richards et al. 2015 PMID: 25741868, with internal and published modifications).

Labcorp Genetics (formerly Invitae), Labcorp
Classification: Likely benign for Leber congenital amaurosis 1; Cone-rod dystrophy 6. Last evaluated: 2025-12-19. Review status: criteria provided, single submitter. Criteria: Invitae Variant Classification Sherloc (09022015). Collection method: clinical testing. Allele origin: germline. Not counted in ClinVar's aggregate classification.

Blueprint Genetics
Classification: Likely benign. Last evaluated: 2024-11-19. Review status: criteria provided, single submitter. Criteria: ACMG Guidelines, 2015. Collection method: clinical testing. Allele origin: germline. Not counted in ClinVar's aggregate classification.

CeGaT Center for Human Genetics Tuebingen
Classification: Uncertain significance. Last evaluated: 2016-10-31. Review status: criteria provided, single submitter. Criteria: Praxis fuer Humangenetik Tuebingen - Variant Classification Criteria. Collection method: clinical testing. Allele origin: germline. Affected: yes. Observed: 1 variant allele. Not counted in ClinVar's aggregate classification.

Centre for Mendelian Genomics, University Medical Centre Ljubljana
Classification: Uncertain significance for Choroidal dystrophy, central areolar, 1. Last evaluated: 2016-01-01. Review status: criteria provided, single submitter. Criteria: ACMG Guidelines, 2015. Collection method: clinical testing. Allele origin: unknown. Affected: yes. Not counted in ClinVar's aggregate classification.
Comment: This variant was classified as: Uncertain significance.

Centre for Mendelian Genomics, University Medical Centre Ljubljana
Classification: Uncertain significance for Abnormal electroretinogram; Nystagmus. Last evaluated: 2014-07-11. Review status: criteria provided, single submitter. Criteria: ACMG Guidelines, 2015. Collection method: clinical testing. Allele origin: unknown. Affected: yes. Not counted in ClinVar's aggregate classification.